The following is an entry in ClinVar:

ClinVar aggregate classification (germline): Pathogenic. Review status: criteria provided, multiple submitters, no conflicts (2 of 4 stars). 2 submissions from 2 submitters: Pathogenic (2). Last evaluated 2025-07-29.

Conditions:
Hereditary cancer-predisposing syndrome. Also called: Tumor predisposition; Neoplastic Syndromes, Hereditary; Hereditary neoplastic syndrome; Hereditary Cancer Syndrome. Identifiers: Orphanet 140162, MedGen C0027672, MeSH D009386, MONDO:0015356.
Pheochromocytoma/paraganglioma syndrome 3. Also called: GLOMUS TUMORS, FAMILIAL, 3; Paragangliomas 3; SDHC-Related Hereditary Paraganglioma-Pheochromocytoma Syndrome (Paragangliomas 3); SDHC-Related Hereditary Paraganglioma-Pheochromocytoma Syndrome. Identifiers: Orphanet 29072, MedGen C1854336, MONDO:0011544, OMIM 605373.

Submissions (2):

Myriad Genetics, Inc.
Classification: Pathogenic for Pheochromocytoma/paraganglioma syndrome 3. Last evaluated: 2025-07-29. Review status: criteria provided, single submitter. Criteria: Myriad Autosomal Dominant, Autosomal Recessive and X-Linked Classification Criteria (2023). Collection method: clinical testing. Allele origin: unknown.
Comment: This variant is considered pathogenic. This variant creates a frameshift predicted to result in premature protein truncation.

Ambry Genetics
Classification: Pathogenic for Hereditary cancer-predisposing syndrome. Last evaluated: 2025-04-10. Review status: criteria provided, single submitter. Criteria: Ambry Variant Classification Scheme 2023. Collection method: clinical testing. Allele origin: germline.
Comment: The c.23dupA pathogenic mutation, located in coding exon 2 of the SDHC gene, results from a duplication of A at nucleotide position 23, causing a translational frameshift with a predicted alternate stop codon (p.H8Qfs*12). In a study of 598 unrelated probands diagnosed with head and neck paraganglioma, this alteration was detected in 1 individual (Neumann HP et al. Cancer Res, 2009 Apr;69:3650-6). This variant is considered to be rare based on population cohorts in the Genome Aggregation Database (gnomAD). This alteration is expected to result in loss of function by premature protein truncation or nonsense-mediated mRNA decay. As such, this alteration is interpreted as a disease-causing mutation.

Literature cited by the submitters: PubMed 19351833 (cited by Ambry Genetics).

NM_003001.5(SDHC):c.23dup (p.His8fs)

Gene: SDHC (succinate dehydrogenase complex subunit C; plus strand). Cytogenetic location: 1q23.3.
Variant type: Duplication.
Coding change: c.23dup on transcript NM_003001.5 (MANE Select); coding-DNA position 23, one base duplicated (A; older notation c.23dupA).
Protein change: p.His8fs; shifts the reading frame from histidine 8.
Molecular consequence: frameshift variant. On other transcripts: 5 prime UTR variant (2), non-coding transcript variant (1), intron variant (4).
Genome position (GRCh38, 1-based): chr1:161,323,616, A duplicated. VCF-style (leftmost placement, unchanged base first): chr1-161323615-C-CA. GRCh37 (hg19) VCF-style: chr1-161293405-C-CA.
Other names: c.23dupA (NM_003001.3); c.23dup, p.His8fs (NM_001035511.3, NM_001035512.3, NM_001278172.3 and 2 more transcripts); c.-89dup (NM_001407119.1); c.-207dup (NM_001407120.1); c.21-4780dup (NM_001407116.1, NM_001407121.1, NM_001407117.1); c.20+9191dup (NM_001035513.3); short protein forms H8fs.
Identifiers: ClinVar variation 3951407 (VCV003951407.2).